The following is an entry in ClinVar:

ClinVar aggregate classification (germline): Uncertain significance. Review status: criteria provided, multiple submitters, no conflicts (2 of 4 stars). 3 submissions from 3 submitters: Uncertain significance (3). Last evaluated 2026-01-08.

Conditions:
ERCC6L2-related disorder. Also called: ERCC6L2-related condition.
Inborn genetic diseases. Identifiers: MedGen C0950123, MeSH D030342.

Allele frequency attached by ClinVar (database versions not stated): gnomAD exomes 0.00001 and 0.00002; ExAC 0.00002; gnomAD 0.00009 and 0.00011; TOPMed 0.00022.
gnomAD v4.1: 41 of 1,594,764 alleles (0.0026%); highest among the groups gnomAD compares: Admixed American, 0.021%; no homozygotes.

Submissions (3):

Labcorp Genetics (formerly Invitae), Labcorp
Classification: Uncertain significance. Last evaluated: 2026-01-08. Review status: criteria provided, single submitter. Criteria: Invitae Variant Classification Sherloc (09022015). Collection method: clinical testing. Allele origin: germline.
Comment: This sequence change replaces arginine, which is basic and polar, with glutamine, which is neutral and polar, at codon 655 of the ERCC6L2 protein (p.Arg655Gln). This variant is present in population databases (rs751936141, gnomAD 0.01%). This variant has not been reported in the literature in individuals affected with ERCC6L2-related conditions. ClinVar contains an entry for this variant (Variation ID: 1005241). Experimental studies and prediction algorithms are not available or were not evaluated, and the functional significance of this variant is currently unknown. In summary, the available evidence is currently insufficient to determine the role of this variant in disease. Therefore, it has been classified as a Variant of Uncertain Significance.

PreventionGenetics, part of Exact Sciences
Classification: Uncertain significance for ERCC6L2-related condition. Last evaluated: 2025-08-19. Review status: criteria provided, single submitter. Criteria: ACMG Guidelines, 2015. Collection method: clinical testing. Allele origin: germline.
Comment: The ERCC6L2 c.1964G>A variant is predicted to result in the amino acid substitution p.Arg655Gln. To our knowledge, this variant has not been reported in the literature. This variant is reported in 0.010% of alleles in individuals of South Asian descent in gnomAD. At this time, the clinical significance of this variant is uncertain due to the absence of conclusive functional and genetic evidence.

Ambry Genetics
Classification: Uncertain significance for Inborn genetic diseases. Last evaluated: 2023-11-14. Review status: criteria provided, single submitter. Criteria: Ambry Variant Classification Scheme 2023. Collection method: clinical testing. Allele origin: germline.

NM_020207.7(ERCC6L2):c.1931G>A (p.Arg644Gln)

Gene: ERCC6L2 (ERCC excision repair 6 like 2; plus strand). Cytogenetic location: 9q22.32.
Variant type: single nucleotide variant.
Coding change: c.1931G>A on transcript NM_020207.7 (MANE Select); coding-DNA position 1931, G replaced by A.
Protein change: p.Arg644Gln; replaces arginine 644 with glutamine.
Molecular consequence: missense variant. On other transcripts: non-coding transcript variant (1).
Genome position (GRCh38, 1-based): chr9:95,955,997, G>A. VCF-style: chr9-95955997-G-A. GRCh37 (hg19) VCF-style: chr9-98718279-G-A.
Other names: c.1931G>A, p.Arg644Gln (NM_001010895.4, NM_001375291.1, NM_001375292.1 and 2 more transcripts); c.1964G>A (NM_001010895.2); short protein forms R644Q.
Identifiers: ClinVar variation 1005241 (VCV001005241.9), dbSNP rs751936141, ClinGen allele CA5139748.